The following is an entry in ClinVar:

ClinVar aggregate classification (germline): Uncertain significance. Review status: criteria provided, multiple submitters, no conflicts (2 of 4 stars). 2 submissions from 2 submitters: Uncertain significance (2). Last evaluated 2026-06-27.

Conditions:
PCNT-related disorder. Also called: PCNT-related condition.
Microcephalic osteodysplastic primordial dwarfism type II (MOPD2). Also called: OSTEODYSPLASTIC PRIMORDIAL DWARFISM, TYPE II; Microcephalic osteodysplastic primordial dwarfism with tooth abnormalities; MOPD II. Identifiers: Orphanet 2637, MedGen C0432246, MONDO:0008872, OMIM 210720.

Allele frequency attached by ClinVar (database versions not stated): gnomAD 0.00001 and 0.00002; gnomAD exomes 0.00001 and 0.00002; ExAC 0.00006; TOPMed 0.00006.
gnomAD v4.1: 17 of 1,606,248 alleles (0.0011%); highest among the groups gnomAD compares: East Asian, 0.0067%; no homozygotes.

Submissions (2):

PreventionGenetics, part of Exact Sciences
Classification: Uncertain significance for PCNT-related condition. Last evaluated: 2026-06-27. Review status: criteria provided, single submitter. Criteria: ACMG Guidelines, 2015. Collection method: clinical testing. Allele origin: germline.
Comment: The PCNT c.4555G>A variant is predicted to result in the amino acid substitution p.Asp1519Asn. To our knowledge, this variant has not been reported in the literature. This variant is reported in 0.021% of alleles in individuals of African descent in gnomAD. At this time, the clinical significance of this variant is uncertain due to the absence of conclusive functional and genetic evidence.

Illumina Laboratory Services, Illumina
Classification: Uncertain significance for Microcephalic osteodysplastic primordial dwarfism type II. Last evaluated: 2018-01-12. Review status: criteria provided, single submitter. Criteria: ICSL Variant Classification Criteria 13 December 2019. Collection method: clinical testing. Allele origin: germline.

NM_006031.6(PCNT):c.4555G>A (p.Asp1519Asn)

Gene: PCNT (pericentrin; plus strand). Cytogenetic location: 21q22.3.
Variant type: single nucleotide variant.
Coding change: c.4555G>A on transcript NM_006031.6 (MANE Select); coding-DNA position 4555, G replaced by A.
Protein change: p.Asp1519Asn; replaces aspartic acid 1519 with asparagine.
Molecular consequence: missense variant.
Genome position (GRCh38, 1-based): chr21:46,398,122, G>A. VCF-style: chr21-46398122-G-A. GRCh37 (hg19) VCF-style: chr21-47818036-G-A.
Other names: c.4201G>A, p.Asp1401Asn (NM_001315529.2); short protein forms D1519N, D1401N.
Identifiers: ClinVar variation 340492 (VCV000340492.6), dbSNP rs762126145, ClinGen allele CA10079675.